The following is an entry in ClinVar:

NM_015338.6(ASXL1):c.2600G>A (p.Gly867Glu)

Gene: ASXL1 (ASXL transcriptional regulator 1; plus strand). Cytogenetic location: 20q11.21.
Variant type: single nucleotide variant.
Coding change: c.2600G>A on transcript NM_015338.6 (MANE Select); coding-DNA position 2600, G replaced by A.
Protein change: p.Gly867Glu; replaces glycine 867 with glutamic acid.
Molecular consequence: missense variant.
Genome position (GRCh38, 1-based): chr20:32,435,312, G>A. VCF-style: chr20-32435312-G-A. GRCh37 (hg19) VCF-style: chr20-31023115-G-A.
Other names: c.2417G>A, p.Gly806Glu (NM_001363734.1); short protein forms G867E, G806E.
Identifiers: ClinVar variation 3791472 (VCV003791472.1).

ClinVar aggregate classification (germline): Uncertain significance (1 of 4 stars; one submission).

Conditions:
Inborn genetic diseases. Identifiers: MedGen C0950123, MeSH D030342.

gnomAD v4.1: 1 of 1,614,068 alleles (0.000062%); highest among the groups gnomAD compares: Non-Finnish European, 0.000085%; no homozygotes.

Submission:

Ambry Genetics
Classification: Uncertain significance for Inborn genetic diseases. Last evaluated: 2024-12-19. Review status: criteria provided, single submitter. Criteria: Ambry Variant Classification Scheme 2023. Collection method: clinical testing. Allele origin: germline.
Comment: The p.G867E variant (also known as c.2600G>A), located in coding exon 13 of the ASXL1 gene, results from a G to A substitution at nucleotide position 2600. The glycine at codon 867 is replaced by glutamic acid, an amino acid with similar properties. This amino acid position is conserved. In addition, this alteration is predicted to be tolerated by in silico analysis. Based on the available evidence, the clinical significance of this variant remains unclear.